The following is an entry in ClinVar:

NM_001127222.2(CACNA1A):c.485G>T (p.Gly162Val)

Gene: CACNA1A (calcium voltage-gated channel subunit alpha1 A; minus strand). Cytogenetic location: 19p13.13.
Variant type: single nucleotide variant.
Coding change: c.485G>T on transcript NM_001127222.2 (MANE Select); coding-DNA position 485, G replaced by T.
Protein change: p.Gly162Val; replaces glycine 162 with valine.
Molecular consequence: missense variant.
Genome position (GRCh38, 1-based): chr19:13,452,930, C>A on the plus strand (G>T on the coding strand, the complement: CACNA1A is on the minus strand). VCF-style: chr19-13452930-C-A. GRCh37 (hg19) VCF-style: chr19-13563744-C-A.
Other names: c.485G>T, p.Gly162Val (NM_000068.4, NM_001127221.2, NM_001174080.2 and 1 more transcripts); short protein forms G162V.
Identifiers: ClinVar variation 1743631 (VCV001743631.2), dbSNP rs2513503660, ClinGen allele CA404967522.

ClinVar aggregate classification (germline): Likely pathogenic (1 of 4 stars; one submission).

Conditions:
Inborn genetic diseases. Identifiers: MedGen C0950123, MeSH D030342.

Submission:

Ambry Genetics
Classification: Likely pathogenic for Inborn genetic diseases. Last evaluated: 2018-02-16. Review status: criteria provided, single submitter. Criteria: Ambry Variant Classification Scheme 2023. Collection method: clinical testing. Allele origin: germline.
Comment: The p.G162V variant (also known as c.485G>T), located in coding exon 3 of the CACNA1A gene, results from a G to T substitution at nucleotide position 485. The glycine at codon 162 is replaced by valine, an amino acid with dissimilar properties. In one study, this alteration was detected in an individual with episodic ataxia type 2 (EA2); however, no specific phenotypic information was provided (Maksemous N et al. Mol Genet Genomic Med, 2016 Mar;4:211-22). In addition, this alteration is located in the hinge region of the transmembrane helix, which is an important position that has the potential to modify the motion of the channel protein (Ambry internal data; Wu J et al. Nature 2016 09;537(7619):191-196). This amino acid position is well conserved in available vertebrate species. In addition, this alteration is predicted to be deleterious by in silico analysis. Based on the majority of available evidence to date, this variant is likely to be pathogenic.

Literature cited by the submitters: PubMed 27066515; PubMed 27580036.